The following is an entry in ClinVar:

NC_000012.11:g.(?_44171413)_(44180518_?)del

Gene: IRAK4 (interleukin 1 receptor associated kinase 4; plus strand). Cytogenetic location: 12q12.
Variant type: Deletion.
Identifiers: ClinVar variation 2426270 (VCV002426270.6).

ClinVar aggregate classification (germline): Uncertain significance (1 of 4 stars; one submission).

Conditions:
Immunodeficiency 67. Also called: Immunodeficiency due to interleukin-1 receptor-associated kinase-4 deficiency. Identifiers: Orphanet 70592, MedGen C1843256, MONDO:0011888, OMIM 607676.

Submission:

Labcorp Genetics (formerly Invitae), Labcorp
Classification: Uncertain significance for Immunodeficiency 67. Last evaluated: 2023-06-21. Review status: criteria provided, single submitter. Criteria: Invitae Variant Classification Sherloc (09022015). Collection method: clinical testing. Allele origin: germline.
Comment: This variant is a gross deletion of the genomic region encompassing exon(s) 7-12 of the IRAK4 gene, which includes the termination codon. This deletion extends beyond the assayed region for this gene and therefore may encompass additional genes. While this deletion is not anticipated to lead to nonsense mediated decay, it is expected to alter mRNA translation or result in a truncated protein product. This variant has not been reported in the literature in individuals affected with IRAK4-related conditions. Experimental studies and prediction algorithms are not available or were not evaluated, and the functional significance of this variant is currently unknown. In summary, the available evidence is currently insufficient to determine the role of this variant in disease. Therefore, it has been classified as a Variant of Uncertain Significance.